The following is an entry in ClinVar:

ClinVar aggregate classification (germline): Likely benign. Review status: criteria provided, multiple submitters, no conflicts (2 of 4 stars). 2 submissions from 2 submitters: Likely benign (2). Last evaluated 2018-06-16.

Allele frequency attached by ClinVar (database versions not stated): 1000 Genomes Project 0.01178; 1000 Genomes Project 30x 0.01218; TOPMed 0.02243; gnomAD 0.02338 and 0.02438; gnomAD exomes 0.02729.
gnomAD v4.1: 20,102 of 759,372 alleles (2.6%); highest among the groups gnomAD compares: Non-Finnish European, 3.7%; 389 homozygotes.

Submissions (2):

GeneDx
Classification: Likely benign. Last evaluated: 2018-06-16. Review status: criteria provided, single submitter. Criteria: GeneDx Variant Classification (06012015). Collection method: clinical testing. Allele origin: germline. Affected: yes.
Comment: This variant is considered likely benign or benign based on one or more of the following criteria: it is a conservative change, it occurs at a poorly conserved position in the protein, it is predicted to be benign by multiple in silico algorithms, and/or has population frequency not consistent with disease.

Breakthrough Genomics
Classification: Likely benign. Review status: criteria provided, single submitter. Criteria: ACMG Guidelines, 2015. Collection method: not provided. Allele origin: germline. Inheritance: Autosomal dominant inheritance. Affected: yes.

NM_001040151.2(SCN3B):c.585-130T>C

Gene: SCN3B (sodium voltage-gated channel beta subunit 3; minus strand). Cytogenetic location: 11q24.1.
Variant type: single nucleotide variant.
Coding change: c.585-130T>C on transcript NM_001040151.2 (MANE Select); 130 bases into the intron before coding-DNA position 585, T replaced by C.
Molecular consequence: intron variant.
Genome position (GRCh38, 1-based): chr11:123,634,336, A>G on the plus strand (T>C on the coding strand, the complement: SCN3B is on the minus strand). VCF-style: chr11-123634336-A-G. GRCh37 (hg19) VCF-style: chr11-123505044-A-G.
Other names: c.585-130T>C (NM_018400.4).
Identifiers: ClinVar variation 672213 (VCV000672213.2), dbSNP rs72552145, ClinGen allele CA13565598.
Genomic context (GRCh38, chr11:123,634,336, plus strand): 5'-GCAGGGCACAGGAGCAAGGATCTACAGAACAGCTCTGCATTTCCTTCTGCTGTGTTTCTC[A>G]AGAGAAAAACAACCTTTTCTGCAGATTAAAATAATCATTTCCCCCATATATGTACACGAA-3'